The following is an entry in ClinVar:

ClinVar aggregate classification (germline): Uncertain significance. Review status: criteria provided, multiple submitters, no conflicts (2 of 4 stars). 2 submissions from 2 submitters: Uncertain significance (2). Last evaluated 2022-07-27.

Conditions:
Inborn genetic diseases. Identifiers: MedGen C0950123, MeSH D030342.
Hereditary factor VIII deficiency disease (HEMA). Also called: HEMOPHILIA, CLASSIC; AUTOSOMAL HEMOPHILIA A; Hemophilia A; Hemophilia A, congenital; HEM A; Factor 8 deficiency, congenital. Identifiers: Orphanet 98878, MedGen C0019069, MONDO:0010602, OMIM 306700.

Allele frequency attached by ClinVar (database versions not stated): TOPMed below 0.00001; ExAC 0.00001; gnomAD 0.00001; gnomAD exomes 0.00001.

Submissions (2):

Ambry Genetics
Classification: Uncertain significance for Inborn genetic diseases. Last evaluated: 2022-07-27. Review status: criteria provided, single submitter. Criteria: Ambry Variant Classification Scheme 2023. Collection method: clinical testing. Allele origin: germline.

ARUP Laboratories, Molecular Genetics and Genomics, ARUP Laboratories
Classification: Uncertain significance for Hereditary factor VIII deficiency disease. Last evaluated: 2021-03-03. Review status: criteria provided, single submitter. Criteria: ARUP Molecular Germline Variant Investigation Process 2021. Collection method: clinical testing. Allele origin: germline.
Comment: The F8 c.6323C>T; p.Ala2108Val variant (rs782094982), to our knowledge, is not reported in the medical literature or gene specific databases. This variant is only observed on one allele in the Genome Aggregation Database, indicating it is not a common polymorphism. Additionally, another variant at this codon (c.6322G>C, p.Ala2108Pro) has been reported in an individual with severe hemophilia A and is considered disease causing (Al-Allaf 2017). The alanine at codon 2108 is highly conserved, and computational analyses predict that this variant is deleterious (REVEL: 0.736). However, given the lack of clinical and functional data, the significance of the p.Ala2108Val variant is uncertain at this time. References: Al-Allaf FA et al. Identification of Four Novel Factor VIII Gene Mutations and Protein Structure Analysis using Molecular Dynamic Simulation. J Genet Syndr Gene Ther. 2017; 8:317.

NM_000132.4(F8):c.6323C>T (p.Ala2108Val)

Gene: F8 (coagulation factor VIII; minus strand). Cytogenetic location: Xq28.
Variant type: single nucleotide variant.
Coding change: c.6323C>T on transcript NM_000132.4 (MANE Select); coding-DNA position 6323, C replaced by T.
Protein change: p.Ala2108Val; replaces alanine 2108 with valine.
Molecular consequence: missense variant.
Genome position (GRCh38, 1-based): chrX:154,896,183, G>A on the plus strand (C>T on the coding strand, the complement: F8 is on the minus strand). VCF-style: chrX-154896183-G-A. GRCh37 (hg19) VCF-style: chrX-154124458-G-A.
Other names: c.6323C>T (NM_000132.3); short protein forms A2108V.
Identifiers: ClinVar variation 1330860 (VCV001330860.9), dbSNP rs782094982, ClinGen allele CA10567871.